The following is an entry in ClinVar:

ClinVar aggregate classification (germline): Uncertain significance (1 of 4 stars; one submission).

Conditions:
Pyogenic arthritis-pyoderma gangrenosum-acne syndrome (PAPA). Also called: PAPA SYNDROME; FAMILIAL RECURRENT ARTHRITIS. Identifiers: Orphanet 69126, MedGen C1858361, MONDO:0011462, OMIM 604416.

Submission:

Labcorp Genetics (formerly Invitae), Labcorp
Classification: Uncertain significance for Pyogenic arthritis-pyoderma gangrenosum-acne syndrome. Last evaluated: 2026-01-29. Review status: criteria provided, single submitter. Criteria: Invitae Variant Classification Sherloc (09022015). Collection method: clinical testing. Allele origin: germline.
Comment: This sequence change creates a premature translational stop signal (p.Trp205*) in the PSTPIP1 gene. It is expected to result in an absent or disrupted protein product. However, the current clinical and genetic evidence is not sufficient to establish whether loss-of-function variants in PSTPIP1 cause disease. This variant is not present in population databases (gnomAD no frequency). This variant has not been reported in the literature in individuals affected with PSTPIP1-related conditions. In summary, the available evidence is currently insufficient to determine the role of this variant in disease. Therefore, it has been classified as a Variant of Uncertain Significance.

NM_003978.5(PSTPIP1):c.614G>A (p.Trp205Ter)

Gene: PSTPIP1 (proline-serine-threonine phosphatase interacting protein 1; plus strand). Cytogenetic location: 15q24.3.
Variant type: single nucleotide variant.
Coding change: c.614G>A on transcript NM_003978.5 (MANE Select); coding-DNA position 614, G replaced by A.
Protein change: p.Trp205Ter; replaces tryptophan 205 with a stop codon.
Molecular consequence: nonsense.
Genome position (GRCh38, 1-based): chr15:77,030,553, G>A. VCF-style: chr15-77030553-G-A. GRCh37 (hg19) VCF-style: chr15-77322894-G-A.
Other names: c.614G>A, p.Trp205Ter (NM_001321135.2, NM_001411086.1); c.587G>A, p.Trp196Ter (NM_001321136.2); c.809G>A, p.Trp270Ter (NM_001321137.1); short protein forms W270*, W196*, W205*.
Identifiers: ClinVar variation 4736025 (VCV004736025.1).